The following is an entry in ClinVar:

ClinVar aggregate classification (germline): Uncertain significance (1 of 4 stars; one submission).

gnomAD v4.1: 2 of 1,614,136 alleles (0.00012%); highest among the groups gnomAD compares: Non-Finnish European, 0.00017%; no homozygotes.

Submission:

Labcorp Genetics (formerly Invitae), Labcorp
Classification: Uncertain significance. Last evaluated: 2024-10-10. Review status: criteria provided, single submitter. Criteria: Invitae Variant Classification Sherloc (09022015). Collection method: clinical testing. Allele origin: germline.
Comment: This sequence change replaces leucine, which is neutral and non-polar, with phenylalanine, which is neutral and non-polar, at codon 3658 of the FAT4 protein (p.Leu3658Phe). This variant is present in population databases (no rsID available, gnomAD 0.0009%). This variant has not been reported in the literature in individuals affected with FAT4-related conditions. Invitae Evidence Modeling of protein sequence and biophysical properties (such as structural, functional, and spatial information, amino acid conservation, physicochemical variation, residue mobility, and thermodynamic stability) indicates that this missense variant is not expected to disrupt FAT4 protein function with a negative predictive value of 95%. In summary, the available evidence is currently insufficient to determine the role of this variant in disease. Therefore, it has been classified as a Variant of Uncertain Significance.

NM_001291303.3(FAT4):c.10978C>T (p.Leu3660Phe)

Gene: FAT4 (FAT atypical cadherin 4; plus strand). Cytogenetic location: 4q28.1.
Variant type: single nucleotide variant.
Coding change: c.10978C>T on transcript NM_001291303.3 (MANE Select); coding-DNA position 10978, C replaced by T.
Protein change: p.Leu3660Phe; replaces leucine 3660 with phenylalanine.
Molecular consequence: missense variant.
Genome position (GRCh38, 1-based): chr4:125,451,988, C>T. VCF-style: chr4-125451988-C-T. GRCh37 (hg19) VCF-style: chr4-126373143-C-T.
Other names: c.10978C>T, p.Leu3660Phe (NM_001291285.3); c.10972C>T, p.Leu3658Phe (NM_024582.6); short protein forms L3660F, L3658F.
Identifiers: ClinVar variation 3669126 (VCV003669126.2).